The following is an entry in ClinVar:

NM_001126108.2(SLC12A3):c.2332del (p.Glu778fs)

Gene: SLC12A3 (solute carrier family 12 member 3; plus strand). Cytogenetic location: 16q13.
Variant type: Deletion.
Coding change: c.2332del on transcript NM_001126108.2 (MANE Select); coding-DNA position 2332, one base deleted (G; older notation c.2332delG).
Protein change: p.Glu778fs; shifts the reading frame from glutamic acid 778.
Molecular consequence: frameshift variant.
Genome position (GRCh38, 1-based): chr16:56,890,320, G deleted; the last of 3 consecutive G bases (chr16:56,890,318-56,890,320); deleting any one gives the same sequence. VCF-style (leftmost placement, unchanged base first): chr16-56890317-CG-C. GRCh37 (hg19) VCF-style: chr16-56924229-CG-C.
Other names: c.2332del, p.Glu778fs (NM_000339.3); c.2329del, p.Glu777fs (NM_001126107.2, NM_001410896.1); short protein forms E777fs, E778fs.
Identifiers: ClinVar variation 3775202 (VCV003775202.2).
Genomic context (GRCh38, chr16:56,890,317, plus strand): 5'-ACCTCCTCTCTTTCCAGTGATGCCTTTGATTTCAACTATGGCGTGTGTGTCATGAGGATG[CG>C]GGAGGGACTCAACGTGTCCAAGATGATGCAGGCGCACAGTGAGTACATGCCCCACCCACT-3'

ClinVar aggregate classification (germline): Likely pathogenic. Review status: criteria provided, multiple submitters, no conflicts (2 of 4 stars). 2 submissions from 2 submitters: Likely pathogenic (2). Last evaluated 2023-11-28.

Conditions:
Familial hypokalemia-hypomagnesemia (GTLMNS). Also called: HYPOMAGNESEMIA-HYPOKALEMIA, PRIMARY RENOTUBULAR, WITH HYPOCALCIURIA; POTASSIUM AND MAGNESIUM DEPLETION; gitelman syndrome. Identifiers: Orphanet 358, MedGen C0268450, MONDO:0009904, OMIM 263800.
SLC12A3-related disorder. Also called: SLC12A3-related condition.

Submissions (2):

Blueprint Genetics
Classification: Likely pathogenic for SLC12A3-related disorders. Last evaluated: 2023-11-28. Review status: criteria provided, single submitter. Criteria: ACMG Guidelines, 2015. Collection method: clinical testing. Allele origin: germline. Affected: yes. Observed: 2 variant alleles.

3billion
Classification: Likely pathogenic for Familial hypokalemia-hypomagnesemia. Last evaluated: 2023-08-23. Review status: criteria provided, single submitter. Criteria: ACMG Guidelines, 2015. Collection method: clinical testing. Allele origin: germline. Affected: yes.
Comment: The variant is not observed in the gnomAD v2.1.1 dataset. Predicted Consequence/Location: Frameshift: predicted to result in a loss or disruption of normal protein function through nonsense-mediated decay (NMD) or protein truncation. Multiple pathogenic variants are reported downstream of the variant. Therefore, this variant is classified as Likely pathogenic according to the recommendation of ACMG/AMP guideline.